The following is an entry in ClinVar:

NM_000414.4(HSD17B4):c.393dup (p.Arg132fs)

Gene: HSD17B4 (hydroxysteroid 17-beta dehydrogenase 4; plus strand). Cytogenetic location: 5q23.1.
Variant type: Duplication.
Coding change: c.393dup on transcript NM_000414.4 (MANE Select); coding-DNA position 393, one base duplicated (A; older notation c.393dupA).
Protein change: p.Arg132fs; shifts the reading frame from arginine 132.
Molecular consequence: frameshift variant. On other transcripts: 5 prime UTR variant (5), non-coding transcript variant (2).
Genome position (GRCh38, 1-based): chr5:119,477,460, A duplicated. VCF-style (leftmost placement, unchanged base first): chr5-119477459-C-CA. GRCh37 (hg19) VCF-style: chr5-118813154-C-CA.
Other names: c.468dup, p.Arg157fs (NM_001199291.3); c.339dup, p.Arg114fs (NM_001199292.2); c.321dup, p.Arg108fs (NM_001292027.2); c.-19dup (NM_001292028.2, NM_001374501.1, NM_001374502.1 and 1 more transcripts); c.393dup, p.Arg132fs (NM_001374497.1, NM_001374498.1); c.66dup, p.Arg23fs (NM_001374499.1); c.-146dup (NM_001374500.1); short protein forms R108fs, R114fs, R132fs, R157fs, R23fs.
Identifiers: ClinVar variation 1722351 (VCV001722351.1), dbSNP rs2531619781, ClinGen allele CA2580072386.

ClinVar aggregate classification (germline): Likely pathogenic (1 of 4 stars; one submission).

Conditions:
Bifunctional peroxisomal enzyme deficiency (DBIF). Also called: DBP DEFICIENCY; D-bifunctional protein deficiency; PBFE DEFICIENCY. Identifiers: Orphanet 300, MedGen C0342870, MONDO:0009855, OMIM 261515. Disease mechanism: loss of function.

Submission:

Women's Health and Genetics/Laboratory Corporation of America, LabCorp
Classification: Likely pathogenic for Bifunctional peroxisomal enzyme deficiency. Last evaluated: 2022-09-18. Review status: criteria provided, single submitter. Criteria: LabCorp Variant Classification Summary - May 2015. Collection method: clinical testing. Allele origin: germline.
Comment: Variant summary: HSD17B4 c.393dupA (p.Arg132ThrfsX34) results in a premature termination codon, predicted to cause a truncation of the encoded protein or absence of the protein due to nonsense mediated decay, which are commonly known mechanisms for disease. Truncations downstream of this position have been classified as pathogenic by our laboratory. The variant was absent in 251292 control chromosomes (gnomAD). To our knowledge, no occurrence of c.393dupA in individuals affected with D-Bifunctional Protein Deficiency and no experimental evidence demonstrating its impact on protein function have been reported. No clinical diagnostic laboratories have submitted clinical-significance assessments for this variant to ClinVar after 2014. Based on the evidence outlined above, the variant was classified as likely pathogenic.